The following is an entry in ClinVar:

NM_006295.3(VARS1):c.3118G>A (p.Val1040Met)

Gene: VARS1 (valyl-tRNA synthetase 1; minus strand). Cytogenetic location: 6p21.33.
Variant type: single nucleotide variant.
Coding change: c.3118G>A on transcript NM_006295.3 (MANE Select); coding-DNA position 3118, G replaced by A.
Protein change: p.Val1040Met; replaces valine 1040 with methionine.
Molecular consequence: missense variant.
Genome position (GRCh38, 1-based): chr6:31,779,778, C>T on the plus strand (G>A on the coding strand, the complement: VARS1 is on the minus strand). VCF-style: chr6-31779778-C-T. GRCh37 (hg19) VCF-style: chr6-31747555-C-T.
Other names: short protein forms V1040M.
Identifiers: ClinVar variation 722185 (VCV000722185.6), dbSNP rs201902100, ClinGen allele CA3722761.

ClinVar aggregate classification (germline): Benign. Review status: criteria provided, single submitter (1 of 4 stars). 2 submissions from 2 submitters: Benign (1). 1 of the submissions does not count toward it. Last evaluated 2019-12-31.

Conditions:
VARS1-related disorder. Also called: VARS1-related condition.

Allele frequency attached by ClinVar (database versions not stated): gnomAD exomes 0.00169 and 0.00387; 1000 Genomes Project 0.00719; ExAC 0.00418; gnomAD 0.00021 and 0.00119; TOPMed 0.00037; 1000 Genomes Project 30x 0.00718.

Submissions (2):

Labcorp Genetics (formerly Invitae), Labcorp
Classification: Benign. Last evaluated: 2019-12-31. Review status: criteria provided, single submitter. Criteria: Invitae Variant Classification Sherloc (09022015). Collection method: clinical testing. Allele origin: germline.

PreventionGenetics, part of Exact Sciences
Classification: Benign for VARS1-related condition. Last evaluated: 2019-05-16. Review status: no assertion criteria provided. Collection method: clinical testing. Allele origin: germline. Not counted in ClinVar's aggregate classification.
Comment: This variant is classified as benign based on ACMG/AMP sequence variant interpretation guidelines (Richards et al. 2015 PMID: 25741868, with internal and published modifications).